The following is an entry in ClinVar:

NM_001242896.3(DEPDC5):c.2188C>T (p.Pro730Ser)

Gene: DEPDC5 (DEP domain containing 5, GATOR1 subcomplex subunit; plus strand). Cytogenetic location: 22q12.3.
Variant type: single nucleotide variant.
Coding change: c.2188C>T on transcript NM_001242896.3 (MANE Select); coding-DNA position 2188, C replaced by T.
Protein change: p.Pro730Ser; replaces proline 730 with serine.
Molecular consequence: missense variant. On other transcripts: non-coding transcript variant (4), intron variant (3).
Genome position (GRCh38, 1-based): chr22:31,836,989, C>T. VCF-style: chr22-31836989-C-T. GRCh37 (hg19) VCF-style: chr22-32232975-C-T.
Other names: c.1954C>T, p.Pro652Ser (NM_001242897.2, NM_001363854.2, NM_001364319.2); c.2188C>T, p.Pro730Ser (NM_001363852.2, NM_001364318.2, NM_001364320.2); c.2104C>T, p.Pro702Ser (NM_001369901.1, NM_001369902.1); c.2171-10C>T (NM_001136029.4, NM_014662.6, NM_001369903.1); short protein forms P730S, P652S, P702S.
Identifiers: ClinVar variation 2916304 (VCV002916304.3), dbSNP rs1307485546, ClinGen allele CA411285091.

ClinVar aggregate classification (germline): Uncertain significance (1 of 4 stars; one submission).

Conditions:
Familial focal epilepsy with variable foci (FPEVF). Identifiers: Orphanet 98820, MedGen C1858477, MONDO:0020310.

Submission:

Labcorp Genetics (formerly Invitae), Labcorp
Classification: Uncertain significance for Familial focal epilepsy with variable foci. Last evaluated: 2024-02-05. Review status: criteria provided, single submitter. Criteria: Invitae Variant Classification Sherloc (09022015). Collection method: clinical testing. Allele origin: germline.
Comment: This sequence change replaces proline, which is neutral and non-polar, with serine, which is neutral and polar, at codon 730 of the DEPDC5 protein (p.Pro730Ser). This variant is not present in population databases (gnomAD no frequency). This variant has not been reported in the literature in individuals affected with DEPDC5-related conditions. Experimental studies and prediction algorithms are not available or were not evaluated, and the functional significance of this variant is currently unknown. In summary, the available evidence is currently insufficient to determine the role of this variant in disease. Therefore, it has been classified as a Variant of Uncertain Significance.